The following is an entry in ClinVar:

ClinVar aggregate classification (germline): Uncertain significance. Review status: criteria provided, multiple submitters, no conflicts (2 of 4 stars). 2 submissions from 2 submitters: Uncertain significance (2). Last evaluated 2024-10-12.

Conditions:
Hyperkalemic periodic paralysis. Also called: Familial hyperkalemic periodic paralysis; Gamstorp disease. Identifiers: Orphanet 682, MedGen C0238357, MONDO:0008224, OMIM 170500, HP:0007215.

Submissions (2):

Labcorp Genetics (formerly Invitae), Labcorp
Classification: Uncertain significance for Hyperkalemic periodic paralysis. Last evaluated: 2024-10-12. Review status: criteria provided, single submitter. Criteria: Invitae Variant Classification Sherloc (09022015). Collection method: clinical testing. Allele origin: germline.
Comment: This sequence change replaces leucine, which is neutral and non-polar, with proline, which is neutral and non-polar, at codon 1164 of the SCN4A protein (p.Leu1164Pro). This variant is not present in population databases (gnomAD no frequency). This missense change has been observed in individual(s) with sodium channel myotonia (PMID: 32849172). ClinVar contains an entry for this variant (Variation ID: 1347346). Invitae Evidence Modeling of protein sequence and biophysical properties (such as structural, functional, and spatial information, amino acid conservation, physicochemical variation, residue mobility, and thermodynamic stability) indicates that this missense variant is expected to disrupt SCN4A protein function with a positive predictive value of 95%. In summary, the available evidence is currently insufficient to determine the role of this variant in disease. Therefore, it has been classified as a Variant of Uncertain Significance.

Revvity Omics, Revvity
Classification: Uncertain significance. Last evaluated: 2023-01-27. Review status: criteria provided, single submitter. Criteria: ACMG Guidelines, 2015. Collection method: clinical testing. Allele origin: germline.

Literature cited by the submitters: PubMed 32849172 (cited by Labcorp Genetics (formerly Invitae), Labcorp).

NM_000334.4(SCN4A):c.3491T>C (p.Leu1164Pro)

Genes: GH-LCR (growth hormone locus control region; plus strand), SCN4A (sodium voltage-gated channel alpha subunit 4; minus strand). Cytogenetic location: 17q23.3.
Variant type: single nucleotide variant.
Coding change: c.3491T>C on transcript NM_000334.4 (MANE Select); coding-DNA position 3491, T replaced by C.
Protein change: p.Leu1164Pro; replaces leucine 1164 with proline.
Molecular consequence: missense variant.
Genome position (GRCh38, 1-based): chr17:63,945,589, A>G on the plus strand (T>C on the coding strand, the complement: SCN4A is on the minus strand). VCF-style: chr17-63945589-A-G. GRCh37 (hg19) VCF-style: chr17-62022949-A-G.
Other names: short protein forms L1164P.
Identifiers: ClinVar variation 1347346 (VCV001347346.9), dbSNP rs1444949985, ClinGen allele CA400618573.